The following is an entry in ClinVar:

ClinVar aggregate classification (germline): Uncertain significance (1 of 4 stars; one submission).

Conditions:
Fanconi anemia (FA). Also called: Fanconi's anemia. Identifiers: Orphanet 84, MedGen C0015625, MeSH D005199, MONDO:0019391.

Submission:

Labcorp Genetics (formerly Invitae), Labcorp
Classification: Uncertain significance for Fanconi anemia. Last evaluated: 2024-06-10. Review status: criteria provided, single submitter. Criteria: Invitae Variant Classification Sherloc (09022015). Collection method: clinical testing. Allele origin: germline.
Comment: This sequence change replaces histidine, which is basic and polar, with arginine, which is basic and polar, at codon 514 of the FANCB protein (p.His514Arg). This variant is not present in population databases (gnomAD no frequency). This variant has not been reported in the literature in individuals affected with FANCB-related conditions. ClinVar contains an entry for this variant (Variation ID: 456178). Advanced modeling of protein sequence and biophysical properties (such as structural, functional, and spatial information, amino acid conservation, physicochemical variation, residue mobility, and thermodynamic stability) performed at Invitae indicates that this missense variant is not expected to disrupt FANCB protein function with a negative predictive value of 80%. In summary, the available evidence is currently insufficient to determine the role of this variant in disease. Therefore, it has been classified as a Variant of Uncertain Significance.

NM_001018113.3(FANCB):c.1541A>G (p.His514Arg)

Gene: FANCB (FA complementation group B; minus strand). Cytogenetic location: Xp22.2.
Variant type: single nucleotide variant.
Coding change: c.1541A>G on transcript NM_001018113.3 (MANE Select); coding-DNA position 1541, A replaced by G.
Protein change: p.His514Arg; replaces histidine 514 with arginine.
Molecular consequence: missense variant.
Genome position (GRCh38, 1-based): chrX:14,845,242, T>C on the plus strand (A>G on the coding strand, the complement: FANCB is on the minus strand). VCF-style: chrX-14845242-T-C. GRCh37 (hg19) VCF-style: chrX-14863364-T-C.
Other names: c.1541A>G, p.His514Arg (NM_001324162.2, NM_152633.4); short protein forms H514R.
Identifiers: ClinVar variation 456178 (VCV000456178.8), dbSNP rs1555904475, ClinGen allele CA412440486.
Genomic context (GRCh38, chrX:14,845,242, plus strand): 5'-GGATTTGTACTCAACTTAATCACCCTATTTTGACACTTTAGAAGCCGAAATCTGGAGTCA[T>C]GGGCTTGATCCATTAACAATGATAAAGTCACATCATTCAGGGACCTGTAAAAAACCCAGA-3'
Protein context (NP_001018123.1, residues 504-524): VTLSLLMDQA[His514Arg]DSRFRLLKCQ